The following is an entry in ClinVar:

NM_031960.3(KRTAP4-8):c.502G>A (p.Ala168Thr)

Gene: KRTAP4-8 (keratin associated protein 4-8; minus strand). Cytogenetic location: 17q21.2.
Variant type: single nucleotide variant.
Coding change: c.502G>A on transcript NM_031960.3 (MANE Select); coding-DNA position 502, G replaced by A.
Protein change: p.Ala168Thr; replaces alanine 168 with threonine.
Molecular consequence: missense variant. On other transcripts: no sequence alteration (1).
Genome position (GRCh38, 1-based): chr17:41,097,583, C>T on the plus strand (G>A on the coding strand, the complement: KRTAP4-8 is on the minus strand). VCF-style: chr17-41097583-C-T. GRCh37 (hg19) VCF-style: chr17-39253835-C-T.
Other names: c.532=, p.Thr178= (NM_001322457.1); short protein forms A168T.
Identifiers: ClinVar variation 403023 (VCV000403023.5), dbSNP rs72625995, ClinGen allele CA8552061.

ClinVar aggregate classification (germline): Benign. Review status: criteria provided, multiple submitters, no conflicts (2 of 4 stars). 2 submissions from 2 submitters: Benign (2). Last evaluated 2016-03-29.

Allele frequency attached by ClinVar (database versions not stated): gnomAD exomes 0.61845; 1000 Genomes Project 30x 0.63632; 1000 Genomes Project 0.63638; gnomAD 0.67804 and 0.68898; TOPMed 0.69693.

Submissions (2):

Laboratory for Molecular Medicine, Mass General Brigham Personalized Medicine
Classification: Benign. Last evaluated: 2016-03-29. Review status: criteria provided, single submitter. Criteria: LMM Criteria. Collection method: clinical testing. Allele origin: germline.
Comment: Variant identified in a genome or exome case(s) and assessed due to predicted null impact of the variant or pathogenic assertions in the literature or databases. Disclaimer: This variant has not undergone full assessment. The following are preliminary notes: Frequency

Breakthrough Genomics
Classification: Benign. Review status: criteria provided, single submitter. Criteria: ACMG Guidelines, 2015. Collection method: not provided. Allele origin: germline. Inheritance: Unknown mechanism. Affected: yes.